The following is an entry in ClinVar:

NM_001142864.4(PIEZO1):c.980C>G (p.Ala327Gly)

Genes: HSALR1 (HSP90AB1 associated lncRNA 1; plus strand), PIEZO1 (piezo type mechanosensitive ion channel component 1 (Er blood group); minus strand). Cytogenetic location: 16q24.3.
Variant type: single nucleotide variant.
Coding change: c.980C>G on transcript NM_001142864.4 (MANE Select); coding-DNA position 980, C replaced by G.
Protein change: p.Ala327Gly; replaces alanine 327 with glycine.
Molecular consequence: missense variant. On other transcripts: non-coding transcript variant (1).
Genome position (GRCh38, 1-based): chr16:88,737,974, G>C on the plus strand (C>G on the coding strand, the complement: PIEZO1 is on the minus strand). VCF-style: chr16-88737974-G-C. GRCh37 (hg19) VCF-style: chr16-88804382-G-C.
Other names: short protein forms A327G.
Identifiers: ClinVar variation 4706271 (VCV004706271.1).

ClinVar aggregate classification (germline): Uncertain significance (1 of 4 stars; one submission).

gnomAD v4.1: 1 of 1,534,168 alleles (0.000065%); highest among the groups gnomAD compares: African/African-American, 0.0014%; no homozygotes.

Submission:

Labcorp Genetics (formerly Invitae), Labcorp
Classification: Uncertain significance. Last evaluated: 2025-06-17. Review status: criteria provided, single submitter. Criteria: Invitae Variant Classification Sherloc (09022015). Collection method: clinical testing. Allele origin: germline.
Comment: This sequence change replaces alanine, which is neutral and non-polar, with glycine, which is neutral and non-polar, at codon 327 of the PIEZO1 protein (p.Ala327Gly). This variant is not present in population databases (gnomAD no frequency). This variant has not been reported in the literature in individuals affected with PIEZO1-related conditions. Invitae Evidence Modeling of protein sequence and biophysical properties (such as structural, functional, and spatial information, amino acid conservation, physicochemical variation, residue mobility, and thermodynamic stability) indicates that this missense variant is not expected to disrupt PIEZO1 protein function with a negative predictive value of 80%. In summary, the available evidence is currently insufficient to determine the role of this variant in disease. Therefore, it has been classified as a Variant of Uncertain Significance.